The following is an entry in ClinVar:

NM_005138.3(SCO2):c.659A>G (p.Tyr220Cys)

Genes: NCAPH2 (non-SMC condensin II complex subunit H2; plus strand), SCO2 (synthesis of cytochrome C oxidase 2; minus strand). Cytogenetic location: 22q13.33.
Variant type: single nucleotide variant.
Coding change: c.659A>G on transcript NM_005138.3 (MANE Select); coding-DNA position 659, A replaced by G.
Protein change: p.Tyr220Cys; replaces tyrosine 220 with cysteine.
Molecular consequence: missense variant. On other transcripts: 3 prime UTR variant (2).
Genome position (GRCh38, 1-based): chr22:50,523,753, T>C on the plus strand (A>G on the coding strand, the complement: SCO2 is on the minus strand). VCF-style: chr22-50523753-T-C. GRCh37 (hg19) VCF-style: chr22-50962182-T-C.
Other names: c.*378T>C (NM_001185011.2, NM_152299.4); c.659A>G, p.Tyr220Cys (NM_001169109.2, NM_001169110.1, NM_001169111.2); short protein forms Y220C.
Identifiers: ClinVar variation 1921215 (VCV001921215.4), dbSNP rs1477026457, ClinGen allele CA412191575.
Genomic context (GRCh38, chr22:50,523,753, plus strand): 5'-TAATCCGTGAAGAGGCCGTCAGGGTTGAGCAGGTAGATGGCAATGGAGTGGTCCACGATG[T>C]AGTCCTGGTCCTCATCCTTGGGGCCTGCATTGTAGTACACGCGGTAACTGTGACTAGCCT-3'
Protein context (NP_005129.2, residues 210-230): NAGPKDEDQD[Tyr220Cys]IVDHSIAIYL

ClinVar aggregate classification (germline): Uncertain significance (1 of 4 stars; one submission).

Allele frequency attached by ClinVar (database versions not stated): gnomAD exomes below 0.00001.
gnomAD v4.1: 1 of 1,614,232 alleles (0.000062%); highest among the groups gnomAD compares: Non-Finnish European, 0.000085%; no homozygotes.

Submission:

Labcorp Genetics (formerly Invitae), Labcorp
Classification: Uncertain significance. Last evaluated: 2022-08-09. Review status: criteria provided, single submitter. Criteria: Invitae Variant Classification Sherloc (09022015). Collection method: clinical testing. Allele origin: germline.
Comment: In summary, the available evidence is currently insufficient to determine the role of this variant in disease. Therefore, it has been classified as a Variant of Uncertain Significance. Algorithms developed to predict the effect of missense changes on protein structure and function are either unavailable or do not agree on the potential impact of this missense change (SIFT: "Deleterious"; PolyPhen-2: "Probably Damaging"; Align-GVGD: "Class C0"). This variant has not been reported in the literature in individuals affected with SCO2-related conditions. This variant is present in population databases (no rsID available, gnomAD 0.0009%). This sequence change replaces tyrosine, which is neutral and polar, with cysteine, which is neutral and slightly polar, at codon 220 of the SCO2 protein (p.Tyr220Cys).